The following is an entry in ClinVar:

NM_000218.3(KCNQ1):c.1393+19567T>C

Genes: KCNQ1 (potassium voltage-gated channel subfamily Q member 1; plus strand), KCNQ1OT1 (KCNQ1 opposite strand/antisense transcript 1; minus strand). Cytogenetic location: 11p15.5.
Variant type: single nucleotide variant.
Coding change: c.1393+19567T>C on transcript NM_000218.3 (MANE Select); 19567 bases into the intron after coding-DNA position 1393, T replaced by C.
Molecular consequence: intron variant. On other transcripts: non-coding transcript variant (1).
Genome position (GRCh38, 1-based): chr11:2,608,421, T>C. VCF-style: chr11-2608421-T-C. GRCh37 (hg19) VCF-style: chr11-2629651-T-C.
Other names: c.1123+19567T>C (NM_001406837.1); c.1297+19567T>C (NM_001406836.1); c.853+19567T>C (NM_001406838.1); c.1012+19567T>C (NM_181798.2).
Identifiers: ClinVar variation 4534517 (VCV004534517.6).

ClinVar aggregate classification (germline): Likely benign (1 of 4 stars; one submission).

gnomAD v4.1: 794 of 398,616 alleles (0.2%); highest among the groups gnomAD compares: African/African-American, 1.3%; 1 homozygote.

Submission:

CeGaT Center for Human Genetics Tuebingen
Classification: Likely benign. Last evaluated: 2026-06-01. Review status: criteria provided, single submitter. Criteria: CeGaT Center For Human Genetics Tuebingen Variant Classification Criteria Version 2. Collection method: clinical testing. Allele origin: germline. Affected: yes. Observed: 4 variant alleles.
Comment: KCNQ1OT1: BS1